The following is an entry in ClinVar:

ClinVar aggregate classification (germline): Uncertain significance. Review status: criteria provided, multiple submitters, no conflicts (2 of 4 stars). 2 submissions from 2 submitters: Uncertain significance (2). Last evaluated 2024-11-26.

Allele frequency attached by ClinVar (database versions not stated): gnomAD exomes 0.00002; ExAC 0.00005; gnomAD 0.00007 and 0.00008; TOPMed 0.00022; 1000 Genomes Project 30x 0.00031; 1000 Genomes Project 0.00040.
gnomAD v4.1: 27 of 1,551,662 alleles (0.0017%); highest among the groups gnomAD compares: Admixed American, 0.033%; no homozygotes.

Submissions (2):

Ambry Genetics
Classification: Uncertain significance. Last evaluated: 2024-11-26. Review status: criteria provided, single submitter. Criteria: Ambry Variant Classification Scheme 2023. Collection method: clinical testing. Allele origin: germline.

Labcorp Genetics (formerly Invitae), Labcorp
Classification: Uncertain significance. Last evaluated: 2021-09-02. Review status: criteria provided, single submitter. Criteria: Invitae Variant Classification Sherloc (09022015). Collection method: clinical testing. Allele origin: germline.
Comment: This sequence change replaces proline with serine at codon 2322 of the DNHD1 protein (p.Pro2322Ser). The proline residue is moderately conserved and there is a moderate physicochemical difference between proline and serine. This variant is present in population databases (rs557305686, ExAC 0.2%). This variant has not been reported in the literature in individuals affected with DNHD1-related conditions. Algorithms developed to predict the effect of missense changes on protein structure and function output the following: SIFT: "Tolerated"; PolyPhen-2: "Possibly Damaging"; Align-GVGD: "Class C0". The serine amino acid residue is found in multiple mammalian species, which suggests that this missense change does not adversely affect protein function. In summary, the available evidence is currently insufficient to determine the role of this variant in disease. Therefore, it has been classified as a Variant of Uncertain Significance.

NM_144666.3(DNHD1):c.6964C>T (p.Pro2322Ser)

Gene: DNHD1 (dynein heavy chain domain 1; plus strand). Cytogenetic location: 11p15.4.
Variant type: single nucleotide variant.
Coding change: c.6964C>T on transcript NM_144666.3 (MANE Select); coding-DNA position 6964, C replaced by T.
Protein change: p.Pro2322Ser; replaces proline 2322 with serine.
Molecular consequence: missense variant.
Genome position (GRCh38, 1-based): chr11:6,548,268, C>T. VCF-style: chr11-6548268-C-T. GRCh37 (hg19) VCF-style: chr11-6569498-C-T.
Other names: c.6964C>T (NM_144666.2); short protein forms P2322S.
Identifiers: ClinVar variation 1502466 (VCV001502466.6), dbSNP rs557305686, ClinGen allele CA5856193.